The following is an entry in ClinVar:

NM_005154.5(USP8):c.775C>A (p.Leu259Ile)

Gene: USP8 (ubiquitin specific peptidase 8; plus strand). Cytogenetic location: 15q21.2.
Variant type: single nucleotide variant.
Coding change: c.775C>A on transcript NM_005154.5 (MANE Select); coding-DNA position 775, C replaced by A.
Protein change: p.Leu259Ile; replaces leucine 259 with isoleucine.
Molecular consequence: missense variant.
Genome position (GRCh38, 1-based): chr15:50,471,721, C>A. VCF-style: chr15-50471721-C-A. GRCh37 (hg19) VCF-style: chr15-50763918-C-A.
Other names: c.775C>A, p.Leu259Ile (NM_001128610.3); c.544C>A, p.Leu182Ile (NM_001283049.2); short protein forms L182I, L259I.
Identifiers: ClinVar variation 1372830 (VCV001372830.5), dbSNP rs772655890, ClinGen allele CA7555566.
Genomic context (GRCh38, chr15:50,471,721, plus strand): 5'-CTGCCAGATGATTCTAAAGACACATGGAAGAAGAGGGGGAATGTGGAGTATGTGGTACTT[C>A]TTGACTGGTTTAGTTCTGCCAAAGATTTACAGATTGGAACAACTCTCCGGAGTCTGAAAG-3'
Protein context (NP_005145.3, residues 249-269): KRGNVEYVVL[Leu259Ile]DWFSSAKDLQ

ClinVar aggregate classification (germline): Uncertain significance (1 of 4 stars; one submission).

Conditions:
Hereditary spastic paraplegia. Also called: Familial spastic paraparesis. Identifiers: Orphanet 685, MedGen C0037773, MONDO:0019064. Disease mechanism: loss of function.

Allele frequency attached by ClinVar (database versions not stated): gnomAD 0.00003; TOPMed 0.00008; gnomAD exomes 0.00012 and 0.00025; ExAC 0.00022.
gnomAD v4.1: 73 of 1,613,990 alleles (0.0045%); highest among the groups gnomAD compares: Admixed American, 0.12%; 1 homozygote.

Submission:

Labcorp Genetics (formerly Invitae), Labcorp
Classification: Uncertain significance for Hereditary spastic paraplegia. Last evaluated: 2021-09-24. Review status: criteria provided, single submitter. Criteria: Invitae Variant Classification Sherloc (09022015). Collection method: clinical testing. Allele origin: germline.
Comment: This sequence change replaces leucine with isoleucine at codon 259 of the USP8 protein (p.Leu259Ile). The leucine residue is highly conserved and there is a small physicochemical difference between leucine and isoleucine. This variant is present in population databases (rs772655890, ExAC 0.2%). This variant has not been reported in the literature in individuals affected with USP8-related conditions. Algorithms developed to predict the effect of missense changes on protein structure and function are either unavailable or do not agree on the potential impact of this missense change (SIFT: "Deleterious"; PolyPhen-2: "Probably Damaging"; Align-GVGD: "Class C0"). In summary, the available evidence is currently insufficient to determine the role of this variant in disease. Therefore, it has been classified as a Variant of Uncertain Significance.